The following is an entry in ClinVar:

ClinVar aggregate classification (germline): Uncertain significance (1 of 4 stars; one submission).

Conditions:
Ullrich congenital muscular dystrophy 2 (UCMD2). Identifiers: Orphanet 75840, MedGen C4225314, MONDO:0014654, OMIM 616470.
Bethlem myopathy 2 (BTHLM2). Identifiers: Orphanet 536516, Orphanet 610, MedGen C4225313, MONDO:0034022, OMIM 616471.

Allele frequency attached by ClinVar (database versions not stated): gnomAD exomes below 0.00001; TOPMed below 0.00001; gnomAD 0.00001.
gnomAD v4.1: 3 of 1,613,450 alleles (0.00019%); highest among the groups gnomAD compares: Admixed American, 0.0017%; no homozygotes.

Submission:

Labcorp Genetics (formerly Invitae), Labcorp
Classification: Uncertain significance for Bethlem myopathy 2; Ullrich congenital muscular dystrophy 2. Last evaluated: 2024-10-03. Review status: criteria provided, single submitter. Criteria: Invitae Variant Classification Sherloc (09022015). Collection method: clinical testing. Allele origin: germline.
Comment: This sequence change replaces valine, which is neutral and non-polar, with isoleucine, which is neutral and non-polar, at codon 296 of the COL12A1 protein (p.Val296Ile). This variant is present in population databases (no rsID available, gnomAD 0.1%). This missense change has been observed in individual(s) with clinical features of autosomal dominant COL12A1-related conditions (internal data). ClinVar contains an entry for this variant (Variation ID: 1517653). Invitae Evidence Modeling of protein sequence and biophysical properties (such as structural, functional, and spatial information, amino acid conservation, physicochemical variation, residue mobility, and thermodynamic stability) indicates that this missense variant is not expected to disrupt COL12A1 protein function with a negative predictive value of 80%. In summary, the available evidence is currently insufficient to determine the role of this variant in disease. Therefore, it has been classified as a Variant of Uncertain Significance.

NM_004370.6(COL12A1):c.886G>A (p.Val296Ile)

Gene: COL12A1 (collagen type XII alpha 1 chain; minus strand). Cytogenetic location: 6q13.
Variant type: single nucleotide variant.
Coding change: c.886G>A on transcript NM_004370.6 (MANE Select); coding-DNA position 886, G replaced by A.
Protein change: p.Val296Ile; replaces valine 296 with isoleucine.
Molecular consequence: missense variant. On other transcripts: intron variant (1).
Genome position (GRCh38, 1-based): chr6:75,188,473, C>T on the plus strand (G>A on the coding strand, the complement: COL12A1 is on the minus strand). VCF-style: chr6-75188473-C-T. GRCh37 (hg19) VCF-style: chr6-75898189-C-T.
Other names: c.73+14247G>A (NM_080645.3); short protein forms V296I.
Identifiers: ClinVar variation 1517653 (VCV001517653.3), dbSNP rs1273649550, ClinGen allele CA364727629.
Genomic context (GRCh38, chr6:75,188,473, plus strand): 5'-CCTGGGAGATGATCTCATTCTGAATATCCACAATTGCATCAAAGTTGGCCACATTGAAAA[C>T]ATGGTTCAGTGAAGGTGTGGAGGCAATTTGTTTGAGTTCTTTTGCATCTGCAGCTTTAAT-3'
Protein context (NP_004361.3, residues 286-306): QIASTPSLNH[Val296Ile]FNVANFDAIV